The following is an entry in ClinVar:

NM_001040113.2(MYH11):c.5818_5819dup (p.Gln1941fs)

Genes: NDE1 (nudE neurodevelopment protein 1; plus strand), MYH11 (myosin heavy chain 11; minus strand). Cytogenetic location: 16p13.11.
Variant type: Duplication.
Coding change: c.5818_5819dup on transcript NM_001040113.2 (MANE Plus Clinical); coding-DNA positions 5818 to 5819, 2 bases duplicated (CC; older notation c.5818_5819dupCC).
Protein change: p.Gln1941fs; shifts the reading frame from glutamine 1941.
Molecular consequence: frameshift variant. On other transcripts: intron variant (4).
Genome position (GRCh38, 1-based): chr16:15,708,830-15,708,831, GG duplicated on the plus strand (CC on the coding strand, the reverse complement: MYH11 is on the minus strand); duplicating any 2 consecutive bases within chr16:15,708,830-15,708,837 gives the same sequence; the c. name uses the placement nearest the transcript's 3' end. VCF-style (leftmost placement, unchanged base first): chr16-15708829-T-TGG. GRCh37 (hg19) VCF-style: chr16-15802686-T-TGG.
Other names: c.5797_5798dup, p.Gln1934fs (NM_022844.3); c.947+11976_947+11977dup (NM_001143979.2, NM_017668.3); c.5787-4708_5787-4707dup (NM_002474.3); c.5808-4708_5808-4707dup (NM_001040114.2); short protein forms Q1934fs, Q1941fs.
Identifiers: ClinVar variation 3387156 (VCV003387156.1).

ClinVar aggregate classification (germline): Uncertain significance (1 of 4 stars; one submission).

Conditions:
Familial thoracic aortic aneurysm and aortic dissection (TAAD). Also called: Thoracic aortic aneurysms and dissections. Identifiers: Orphanet 91387, MedGen C4707243, MONDO:0019625.

Submission:

All of Us Research Program, National Institutes of Health
Classification: Uncertain significance for Familial thoracic aortic aneurysm and aortic dissection. Last evaluated: 2024-08-13. Review status: criteria provided, single submitter. Criteria: ACMG Guidelines, 2015. Collection method: clinical testing. Allele origin: germline. Inheritance: Autosomal dominant inheritance. Observed: 1 variant allele, 1 heterozygote.
Comment: This variant inserts 2 nucleotides in exon 42 of the MYH11 gene, creating a frameshift in the last coding exon and addition of 91 new amino acids before introducing a stop codon. This results in a protein product that is 86 amino acids longer than the normal protein product. To our knowledge, this variant has not been reported in individuals affected with MYH11-related disorders in the literature. This variant has not been identified in the general population by the Genome Aggregation Database (gnomAD). The available evidence is insufficient to determine the role of this variant in disease conclusively. Therefore, this variant is classified as a Variant of Uncertain Significance.

This study involves interpretation of variants in research participants for the purpose of population health screening. Participant phenotype was not available at the time of variant classification. Additional details can be found in publication PMID: 35346344, PMCID: PMC8962531